The following is an entry in ClinVar:

ClinVar aggregate classification (germline): Pathogenic. Review status: criteria provided, multiple submitters, no conflicts (2 of 4 stars). 4 submissions from 4 submitters: Pathogenic (4). Last evaluated 2025-02-06.

Conditions:
Hereditary cancer-predisposing syndrome. Also called: Hereditary neoplastic syndrome; Tumor predisposition; Hereditary Cancer Syndrome; Neoplastic Syndromes, Hereditary. Identifiers: Orphanet 140162, MedGen C0027672, MeSH D009386, MONDO:0015356.
Hereditary breast ovarian cancer syndrome. Also called: BRCA1- and BRCA2-Associated Hereditary Breast and Ovarian Cancer; Hereditary breast and ovarian cancer; Hereditary breast and ovarian cancer syndrome (HBOC); Breast and ovarian cancer; Hereditary breast and ovarian cancer syndrome; Hereditary breast and/or ovarian cancer syndrome. Identifiers: Orphanet 145, MedGen C0677776, MeSH D061325, MONDO:0003582. Disease mechanism: loss of function.
Familial cancer of breast. Also called: BREAST CANCER, FAMILIAL; hereditary breast carcinoma; Hereditary breast cancer. Identifiers: Orphanet 227535, MedGen C0346153, MONDO:0016419, OMIM 114480. Disease mechanism: loss of function.

Submissions (4):

Women's Health and Genetics/Laboratory Corporation of America, LabCorp
Classification: Pathogenic for Hereditary breast ovarian cancer syndrome. Last evaluated: 2025-02-06. Review status: criteria provided, single submitter. Criteria: LabCorp Variant Classification Summary - May 2015. Collection method: clinical testing. Allele origin: germline.
Comment: Variant summary: CHEK2 c.817G>T (p.Glu273X) results in a premature termination codon, predicted to cause a truncation of the encoded protein or absence of the protein due to nonsense mediated decay, which are commonly known mechanisms for disease. The variant allele was found at a frequency of 4e-06 in 250122 control chromosomes (gnomAD). c.817G>T has been reported in the literature in individuals affected with hereditary breast and ovarian cancer syndrome. These report(s) do not provide unequivocal conclusions about association of the variant with hereditary breast and ovarian cancer syndrome. To our knowledge, no experimental evidence demonstrating an impact on protein function has been reported. ClinVar contains an entry for this variant (Variation ID: 2584308). Based on the evidence outlined above, the variant was classified as pathogenic.

Labcorp Genetics (formerly Invitae), Labcorp
Classification: Pathogenic for Familial cancer of breast. Last evaluated: 2024-04-26. Review status: criteria provided, single submitter. Criteria: Invitae Variant Classification Sherloc (09022015). Collection method: clinical testing. Allele origin: germline.
Comment: This sequence change creates a premature translational stop signal (p.Glu273*) in the CHEK2 gene. It is expected to result in an absent or disrupted protein product. Loss-of-function variants in CHEK2 are known to be pathogenic (PMID: 21876083, 24713400). This variant is not present in population databases (gnomAD no frequency). This variant has not been reported in the literature in individuals affected with CHEK2-related conditions. ClinVar contains an entry for this variant (Variation ID: 2584308). Algorithms developed to predict the effect of sequence changes on RNA splicing suggest that this variant may disrupt the consensus splice site. For these reasons, this variant has been classified as Pathogenic.

Ambry Genetics
Classification: Pathogenic for Hereditary cancer-predisposing syndrome. Last evaluated: 2023-11-18. Review status: criteria provided, single submitter. Criteria: Ambry Variant Classification Scheme 2023. Collection method: clinical testing. Allele origin: germline.
Comment: The p.E273* pathogenic mutation (also known as c.817G>T), located in coding exon 6 of the CHEK2 gene, results from a G to T substitution at nucleotide position 817. This changes the amino acid from a glutamic acid to a stop codon within coding exon 6. This variant is considered to be rare based on population cohorts in the Genome Aggregation Database (gnomAD). This alteration is expected to result in loss of function by premature protein truncation or nonsense-mediated mRNA decay. As such, this alteration is interpreted as a disease-causing mutation.

Myriad Genetics, Inc.
Classification: Pathogenic for Familial cancer of breast. Last evaluated: 2023-06-27. Review status: criteria provided, single submitter. Criteria: Myriad Autosomal Dominant, Autosomal Recessive and X-Linked Classification Criteria (2023). Collection method: clinical testing. Allele origin: unknown.
Comment: This variant is considered pathogenic. This variant creates a termination codon and is predicted to result in premature protein truncation.

Literature cited by the submitters: PubMed 38097135 (cited by Women's Health and Genetics/Laboratory Corporation of America, LabCorp); PubMed 21876083 (cited by Labcorp Genetics (formerly Invitae), Labcorp); PubMed 24713400 (cited by Labcorp Genetics (formerly Invitae), Labcorp).

NM_007194.4(CHEK2):c.817G>T (p.Glu273Ter)

Gene: CHEK2 (checkpoint kinase 2; minus strand). Cytogenetic location: 22q12.1.
Variant type: single nucleotide variant.
Coding change: c.817G>T on transcript NM_007194.4 (MANE Select); coding-DNA position 817, G replaced by T.
Protein change: p.Glu273Ter; replaces glutamic acid 273 with a stop codon.
Molecular consequence: nonsense.
Genome position (GRCh38, 1-based): chr22:28,710,035, C>A on the plus strand (G>T on the coding strand, the complement: CHEK2 is on the minus strand). VCF-style: chr22-28710035-C-A. GRCh37 (hg19) VCF-style: chr22-29106023-C-A.
Other names: c.946G>T, p.Glu316Ter (NM_001005735.3); c.154G>T, p.Glu52Ter (NM_001257387.3); c.616G>T, p.Glu206Ter (NM_001349956.3); c.817G>T, p.Glu273Ter (NM_145862.3); short protein forms E206*, E273*, E316*, E52*.
Identifiers: ClinVar variation 2584308 (VCV002584308.6), dbSNP rs587782152, ClinGen allele CA411102421.